The following is an entry in ClinVar:

ClinVar aggregate classification (germline): Uncertain significance (1 of 4 stars; one submission).

Submission:

HudsonAlpha Institute for Biotechnology
Classification: Uncertain significance. Last evaluated: 2022-10-31. Review status: criteria provided, single submitter. Criteria: ACMG Guidelines, 2015. Collection method: research. Allele origin: maternal. Observed: 1 variant allele. Study: HudsonAlpha-AGHI-WGS.
Comment: ACMG codes:PM2

NM_005406.3(ROCK1):c.877_878insT (p.His293fs)

Gene: ROCK1 (Rho associated coiled-coil containing protein kinase 1; minus strand). Cytogenetic location: 18q11.1.
Variant type: Insertion.
Coding change: c.877_878insT on transcript NM_005406.3 (MANE Select); coding-DNA positions 877 to 878, T inserted.
Protein change: p.His293fs; shifts the reading frame from histidine 293.
Molecular consequence: frameshift variant.
Genome position: GRCh38 VCF-style: chr18-21042178-T-TA. GRCh37 (hg19) VCF-style: chr18-18622139-T-TA.
Other names: short protein forms H293fs.
Identifiers: ClinVar variation 1803756 (VCV001803756.1), dbSNP rs2510574761, ClinGen allele CA2576465816.